The following is an entry in ClinVar:

NM_000135.4(FANCA):c.2896G>A (p.Glu966Lys)

Gene: FANCA (FA complementation group A; minus strand). Cytogenetic location: 16q24.3.
Variant type: single nucleotide variant.
Coding change: c.2896G>A on transcript NM_000135.4 (MANE Select); coding-DNA position 2896, G replaced by A.
Protein change: p.Glu966Lys; replaces glutamic acid 966 with lysine.
Molecular consequence: missense variant.
Genome position (GRCh38, 1-based): chr16:89,758,662, C>T on the plus strand (G>A on the coding strand, the complement: FANCA is on the minus strand). VCF-style: chr16-89758662-C-T. GRCh37 (hg19) VCF-style: chr16-89825070-C-T.
Other names: c.2896G>A, p.Glu966Lys (NM_001286167.3); short protein forms E966K.
Identifiers: ClinVar variation 1384560 (VCV001384560.5), dbSNP rs1192724266, ClinGen allele CA397431415.

ClinVar aggregate classification (germline): Uncertain significance (1 of 4 stars; one submission).

Conditions:
Fanconi anemia (FA). Also called: Fanconi's anemia. Identifiers: Orphanet 84, MedGen C0015625, MeSH D005199, MONDO:0019391.

Allele frequency attached by ClinVar (database versions not stated): gnomAD exomes below 0.00001.

Submission:

Labcorp Genetics (formerly Invitae), Labcorp
Classification: Uncertain significance for Fanconi anemia. Last evaluated: 2021-09-07. Review status: criteria provided, single submitter. Criteria: Invitae Variant Classification Sherloc (09022015). Collection method: clinical testing. Allele origin: germline.
Comment: This sequence change replaces glutamic acid with lysine at codon 966 of the FANCA protein (p.Glu966Lys). The glutamic acid residue is weakly conserved and there is a small physicochemical difference between glutamic acid and lysine. This variant is not present in population databases (ExAC no frequency). This variant has not been reported in the literature in individuals affected with FANCA-related conditions. This variant is also known as 2927G>A. Advanced modeling of protein sequence and biophysical properties (such as structural, functional, and spatial information, amino acid conservation, physicochemical variation, residue mobility, and thermodynamic stability) performed at Invitae indicates that this missense variant is not expected to disrupt FANCA protein function. Experimental studies have shown that this missense change does not substantially affect FANCA function (PMID: 16397136). In summary, the available evidence is currently insufficient to determine the role of this variant in disease. Therefore, it has been classified as a Variant of Uncertain Significance.

Literature cited by the submitters: PubMed 16397136.